The following is an entry in ClinVar:

ClinVar aggregate classification (germline): Uncertain significance (1 of 4 stars; one submission).

Conditions:
Ehlers-Danlos syndrome, classic type, 1 (EDSCL1). Also called: EHLERS-DANLOS SYNDROME, GRAVIS TYPE; EHLERS-DANLOS SYNDROME, SEVERE CLASSIC TYPE; Ehlers-Danlos syndrome, type 1; Ehlers-Danlos Syndrome, Classic Type, COL5A1-Related; EDS I. Identifiers: MedGen C0268335, MONDO:0019567, OMIM 130000.

Submission:

Labcorp Genetics (formerly Invitae), Labcorp
Classification: Uncertain significance for Ehlers-Danlos syndrome, classic type, 1. Last evaluated: 2023-01-11. Review status: criteria provided, single submitter. Criteria: Invitae Variant Classification Sherloc (09022015). Collection method: clinical testing. Allele origin: germline.
Comment: ClinVar contains an entry for this variant (Variation ID: 1424691). This variant has not been reported in the literature in individuals affected with COL5A2-related conditions. This variant is not present in population databases (gnomAD no frequency). This sequence change falls in intron 52 of the COL5A2 gene. It does not directly change the encoded amino acid sequence of the COL5A2 protein. It affects a nucleotide within the consensus splice site. Variants that disrupt the consensus splice site are a relatively common cause of aberrant splicing (PMID: 17576681, 9536098). Algorithms developed to predict the effect of sequence changes on RNA splicing suggest that this variant may create or strengthen a splice site. In summary, the available evidence is currently insufficient to determine the role of this variant in disease. Therefore, it has been classified as a Variant of Uncertain Significance.

Literature cited by the submitters: PubMed 17576681; PubMed 9536098.

NM_000393.5(COL5A2):c.4113+3A>G

Gene: COL5A2 (collagen type V alpha 2 chain; minus strand). Cytogenetic location: 2q32.2.
Variant type: single nucleotide variant.
Coding change: c.4113+3A>G on transcript NM_000393.5 (MANE Select); 3 bases into the intron after coding-DNA position 4113, A replaced by G.
Molecular consequence: intron variant.
Genome position (GRCh38, 1-based): chr2:189,036,613, T>C on the plus strand (A>G on the coding strand, the complement: COL5A2 is on the minus strand). VCF-style: chr2-189036613-T-C. GRCh37 (hg19) VCF-style: chr2-189901339-T-C.
Identifiers: ClinVar variation 1424691 (VCV001424691.6), dbSNP rs1685448298, ClinGen allele CA2573134226.